The following is an entry in ClinVar:

ClinVar aggregate classification (germline): Uncertain significance (1 of 4 stars; one submission).

Conditions:
Familial thoracic aortic aneurysm and aortic dissection (TAAD). Also called: Thoracic aortic aneurysms and dissections. Identifiers: Orphanet 91387, MedGen C4707243, MONDO:0019625.
Hereditary cancer-predisposing syndrome. Also called: Neoplastic Syndromes, Hereditary; Tumor predisposition; Hereditary Cancer Syndrome; Hereditary neoplastic syndrome. Identifiers: Orphanet 140162, MedGen C0027672, MeSH D009386, MONDO:0015356.

Allele frequency attached by ClinVar (database versions not stated): TOPMed below 0.00001.

Submission:

Ambry Genetics
Classification: Uncertain significance for Hereditary cancer-predisposing syndrome; Familial thoracic aortic aneurysm and aortic dissection. Last evaluated: 2017-04-05. Review status: criteria provided, single submitter. Criteria: Ambry Variant Classification Scheme 2023. Collection method: clinical testing. Allele origin: germline.
Comment: The p.Q250E variant (also known as c.748C>G), located in coding exon 5 of the SMAD4 gene, results from a C to G substitution at nucleotide position 748. The glutamine at codon 250 is replaced by glutamic acid, an amino acid with highly similar properties. This amino acid position is highly conserved in available vertebrate species. In addition, this alteration is predicted to be tolerated by in silico analysis. Since supporting evidence is limited at this time, the clinical significance of this alteration remains unclear.

NM_005359.6(SMAD4):c.748C>G (p.Gln250Glu)

Gene: SMAD4 (SMAD family member 4; plus strand). Cytogenetic location: 18q21.2.
Variant type: single nucleotide variant.
Coding change: c.748C>G on transcript NM_005359.6 (MANE Select); coding-DNA position 748, C replaced by G.
Protein change: p.Gln250Glu; replaces glutamine 250 with glutamic acid.
Molecular consequence: missense variant.
Genome position (GRCh38, 1-based): chr18:51,058,205, C>G. VCF-style: chr18-51058205-C-G. GRCh37 (hg19) VCF-style: chr18-48584575-C-G.
Other names: c.748C>G, p.Gln250Glu (NM_001407041.1, NM_001407042.1, NM_001407043.1); short protein forms Q250E.
Identifiers: ClinVar variation 1759143 (VCV001759143.2), dbSNP rs1372278030, ClinGen allele CA402462968.